The following is an entry in ClinVar:

ClinVar aggregate classification (germline): Uncertain significance (1 of 4 stars; one submission).

Conditions:
Neurodevelopmental disorder with absent language and variable seizures. Also called: ITO-RAYMOND SYNDROME. Identifiers: MedGen C5231469, MONDO:0032876, OMIM 618707.

Submission:

Mendelics
Classification: Uncertain significance for Neurodevelopmental disorder with absent language and variable seizures. Last evaluated: 2026-03-28. Review status: criteria provided, single submitter. Criteria: ACMG Guidelines, 2015. Collection method: clinical testing. Allele origin: unknown.
Comment: The available evidence is insufficient to conclusively determine the role of this variant. Therefore, it is classified as a Variant of Uncertain Significance.

Single allele

Gene: WASF1 (WASP family member 1; minus strand). Cytogenetic location: 6q21.
Variant type: Deletion.
Identifiers: ClinVar variation 4820235 (VCV004820235.1).